The following is an entry in ClinVar:

NM_000243.3(MEFV):c.721A>G (p.Arg241Gly)

Gene: MEFV (MEFV innate immunity regulator, pyrin; minus strand). Cytogenetic location: 16p13.3.
Variant type: single nucleotide variant.
Coding change: c.721A>G on transcript NM_000243.3 (MANE Select); coding-DNA position 721, A replaced by G.
Protein change: p.Arg241Gly; replaces arginine 241 with glycine.
Molecular consequence: missense variant. On other transcripts: intron variant (1).
Genome position (GRCh38, 1-based): chr16:3,254,347, T>C on the plus strand (A>G on the coding strand, the complement: MEFV is on the minus strand). VCF-style: chr16-3254347-T-C. GRCh37 (hg19) VCF-style: chr16-3304347-T-C.
Other names: c.277+1964A>G (NM_001198536.2); short protein forms R241G.
Identifiers: ClinVar variation 2122530 (VCV002122530.1), dbSNP rs2543155990, ClinGen allele CA394478156.

ClinVar aggregate classification (germline): Uncertain significance (1 of 4 stars; one submission).

Conditions:
Familial Mediterranean fever (FMF). Also called: POLYSEROSITIS, FAMILIAL PAROXYSMAL; POLYSEROSITIS, RECURRENT; Periodic peritonitis; Benign paroxysmal peritonitis. Identifiers: Orphanet 342, MedGen C0031069, MONDO:0018088, OMIM 249100. Disease mechanism: gain of function.

Submission:

Labcorp Genetics (formerly Invitae), Labcorp
Classification: Uncertain significance for Familial Mediterranean fever. Last evaluated: 2022-04-07. Review status: criteria provided, single submitter. Criteria: Invitae Variant Classification Sherloc (09022015). Collection method: clinical testing. Allele origin: germline.
Comment: This sequence change replaces arginine, which is basic and polar, with glycine, which is neutral and non-polar, at codon 241 of the MEFV protein (p.Arg241Gly). This variant is not present in population databases (gnomAD no frequency). This variant has not been reported in the literature in individuals affected with MEFV-related conditions. Algorithms developed to predict the effect of missense changes on protein structure and function (SIFT, PolyPhen-2, Align-GVGD) all suggest that this variant is likely to be tolerated. In summary, the available evidence is currently insufficient to determine the role of this variant in disease. Therefore, it has been classified as a Variant of Uncertain Significance.